The following is an entry in ClinVar:

NM_012203.2(GRHPR):c.740A>G (p.Asp247Gly)

Gene: GRHPR (glyoxylate and hydroxypyruvate reductase; plus strand). Cytogenetic location: 9p13.2.
Variant type: single nucleotide variant.
Coding change: c.740A>G on transcript NM_012203.2 (MANE Select); coding-DNA position 740, A replaced by G.
Protein change: p.Asp247Gly; replaces aspartic acid 247 with glycine.
Molecular consequence: missense variant.
Genome position (GRCh38, 1-based): chr9:37,432,013, A>G. VCF-style: chr9-37432013-A-G. GRCh37 (hg19) VCF-style: chr9-37432010-A-G.
Other names: short protein forms D247G.
Identifiers: ClinVar variation 204226 (VCV000204226.4), dbSNP rs180177318, ClinGen allele CA275876.
Genomic context (GRCh38, chr9:37,432,013, plus strand): 5'-GGTGGCCTGGGCGGAGGGATCTTCGGGGTACCCATGTCACCACTGTCATTCCCAGGGGCG[A>G]CGTCGTAAACCAGGACGACCTGTACCAGGCCTTGGCCAGTGGTAAGATTGCAGCTGCTGG-3'
Protein context (NP_036335.1, residues 237-257): TAVFINISRG[Asp247Gly]VVNQDDLYQA

ClinVar aggregate classification (germline): Conflicting classifications of pathogenicity. Review status: criteria provided, conflicting classifications (1 of 4 stars). 2 submissions from 2 submitters: Uncertain significance (1); Likely benign (1). Last evaluated 2025-10-03.

Conditions:
Primary hyperoxaluria, type II (HP2). Also called: D-GLYCERATE DEHYDROGENASE DEFICIENCY; GLYCERIC ACIDURIA; GLYOXYLATE REDUCTASE/HYDROXYPYRUVATE REDUCTASE DEFICIENCY; OXALOSIS II; Primary hyperoxaluria type 2. Identifiers: Orphanet 416, Orphanet 93599, MedGen C0268165, MONDO:0009824, OMIM 260000. Disease mechanism: loss of function.

Allele frequency attached by ClinVar (database versions not stated): TOPMed below 0.00001; gnomAD 0.00001.
gnomAD v4.1: 4 of 1,613,982 alleles (0.00025%); highest among the groups gnomAD compares: East Asian, 0.0022%; no homozygotes.

Submissions (2):

Rare Kidney Stone Consortium and the Mayo Clinic Hyperoxaluria Center, Mayo Clinic
Classification: Uncertain significance for Primary hyperoxaluria, type II. Last evaluated: 2025-10-03. Review status: criteria provided, single submitter. Criteria: ACMG Guidelines, 2015. Collection method: research. Allele origin: germline. Affected: yes. Observed: 1 variant allele.
Comment: ACMG:PM1, PM2

Clinical Biochemistry Laboratory, Health Services Laboratory
Classification: Likely benign for Primary hyperoxaluria, type II. Last evaluated: 2023-10-27. Review status: criteria provided, single submitter. Criteria: ACMG Guidelines, 2015. Collection method: clinical testing. Allele origin: germline. Affected: yes.
Comment: ACMG: PM1 PM2 BP4 BP5

Literature cited by the submitters: PubMed 40794449 (cited by Rare Kidney Stone Consortium and the Mayo Clinic Hyperoxaluria Center, Mayo Clinic).